The following is an entry in ClinVar:

ClinVar aggregate classification (germline): Uncertain significance (1 of 4 stars; one submission).

Conditions:
Hereditary cancer-predisposing syndrome. Also called: Neoplastic Syndromes, Hereditary; Tumor predisposition; Hereditary Cancer Syndrome; Hereditary neoplastic syndrome. Identifiers: Orphanet 140162, MedGen C0027672, MeSH D009386, MONDO:0015356.

Submission:

Ambry Genetics
Classification: Uncertain significance for Hereditary cancer-predisposing syndrome. Last evaluated: 2026-09-11. Review status: criteria provided, single submitter. Criteria: Ambry Variant Classification Scheme 2023. Collection method: clinical testing. Allele origin: germline.
Comment: The p.L754P variant (also known as c.2261T>C), located in coding exon 16 of the TSC1 gene, results from a T to C substitution at nucleotide position 2261. The leucine at codon 754 is replaced by proline, an amino acid with similar properties. This amino acid position is conserved. In addition, this alteration is predicted to be deleterious by in silico analysis. Based on the available evidence, the clinical significance of this variant remains unclear.

NM_000368.5(TSC1):c.2261T>C (p.Leu754Pro)

Gene: TSC1 (TSC complex subunit 1; minus strand). Cytogenetic location: 9q34.13.
Variant type: single nucleotide variant.
Coding change: c.2261T>C on transcript NM_000368.5 (MANE Select); coding-DNA position 2261, T replaced by C.
Protein change: p.Leu754Pro; replaces leucine 754 with proline.
Molecular consequence: missense variant. On other transcripts: non-coding transcript variant (5).
Genome position (GRCh38, 1-based): chr9:132,902,735, A>G on the plus strand (T>C on the coding strand, the complement: TSC1 is on the minus strand). VCF-style: chr9-132902735-A-G. GRCh37 (hg19) VCF-style: chr9-135778122-A-G.
Other names: c.2261T>C, p.Leu754Pro (NM_001406595.1, NM_001406596.1, NM_001406605.1 and 5 more transcripts); c.2258T>C, p.Leu753Pro (NM_001406597.1, NM_001406598.1, NM_001406599.1 and 4 more transcripts); c.2246T>C, p.Leu749Pro (NM_001406601.1, NM_001406602.1); c.2243T>C, p.Leu748Pro (NM_001406603.1, NM_001406604.1); c.1898T>C, p.Leu633Pro (NM_001406614.1, NM_001406615.1, NM_001406616.1 and 5 more transcripts); c.1895T>C, p.Leu632Pro (NM_001406620.1, NM_001406621.1, NM_001406622.1 and 2 more transcripts); c.2108T>C, p.Leu703Pro (NM_001406610.1, NM_001162427.2); c.2105T>C, p.Leu702Pro (NM_001406611.1, NM_001406612.1, NM_001406613.1); and 3 more; short protein forms L702P, L748P, L754P, L403P, L436P, L703P, L749P, L437P.
Identifiers: ClinVar variation 4554476 (VCV004554476.2).
Genomic context (GRCh38, chr9:132,902,735, plus strand): 5'-TTGGTTACCATAGTGTCACGCTGCTCCTGGAGCTGATTGTATCTAGCTTGTTCTTTCTGC[A>G]GACTAACCTTCCACATCTGGATGTCCTTCTCTTGTAACTTCAACTGATCTTTCTAGCAGA-3'
Protein context (NP_000359.1, residues 744-764): EKDIQMWKVS[Leu754Pro]QKEQARYNQL